The following is an entry in ClinVar:

NM_000396.4(CTSK):c.113del (p.Asn38fs)

Gene: CTSK (cathepsin K; minus strand). Cytogenetic location: 1q21.3.
Variant type: Deletion.
Coding change: c.113del on transcript NM_000396.4 (MANE Select); coding-DNA position 113, one base deleted (A; older notation c.113delA).
Protein change: p.Asn38fs; shifts the reading frame from asparagine 38.
Molecular consequence: frameshift variant.
Genome position (GRCh38, 1-based): chr1:150,806,693, T deleted on the plus strand (A on the coding strand, the reverse complement: CTSK is on the minus strand); the first of 2 consecutive T bases (chr1:150,806,693-150,806,694); deleting either gives the same sequence. VCF-style (leftmost placement, unchanged base first): chr1-150806692-GT-G. GRCh37 (hg19) VCF-style: chr1-150779168-GT-G.
Other names: short protein forms N38fs.
Identifiers: ClinVar variation 1724320 (VCV001724320.2), dbSNP rs2525180438, ClinGen allele CA2580061016.

ClinVar aggregate classification (germline): Likely pathogenic (1 of 4 stars; one submission).

Conditions:
Pyknodysostosis. Also called: Pycnodysostosis. Identifiers: Orphanet 763, MedGen C0238402, MONDO:0009940, OMIM 265800.

Submission:

Myriad Genetics, Inc.
Classification: Likely pathogenic for Pyknodysostosis. Last evaluated: 2022-02-05. Review status: criteria provided, single submitter. Criteria: Myriad Women's Health Autosomal Recessive and X-Linked Classification Criteria (2021). Collection method: clinical testing. Allele origin: unknown.
Comment: NM_000396.3(CTSK):c.113delA(N38Tfs*11) is expected to be pathogenic in the context of pycnodysostosis. This variant is predicted to lead to an abnormal or absent protein product due to the creation of a premature termination codon in CTSK, a gene where loss-of-function variants are known to be pathogenic. Please note: this variant was assessed in the context of healthy population screening.